The following is an entry in ClinVar:

Single allele

Genes: ABCB6 (ATP binding cassette subfamily B member 6 (LAN blood group); minus strand), ANKZF1 (ankyrin repeat and zinc finger peptidyl tRNA hydrolase 1; plus strand), ASIC4 (acid sensing ion channel subunit family member 4; plus strand), ATG9A (autophagy related 9A; minus strand), CHPF (chondroitin polymerizing factor; minus strand) and 20 more. Cytogenetic location: 2q35.
Variant type: Deletion.
Identifiers: ClinVar variation 549857 (VCV000549857.3).

ClinVar aggregate classification (germline): Pathogenic (0 of 4 stars; one submission).

Conditions:
Abnormal heart morphology. Also called: Abnormality of cardiac morphology; Heart, malformation of. Identifiers: MedGen C0018798, MeSH D006330, HP:0001627.
Bilateral cleft lip and palate. Identifiers: MedGen C1398522.
Phocomelia. Identifiers: MedGen C0031575, HP:0009829.
Polydactyly. Also called: polydactylism. Identifiers: MedGen C0152427, MONDO:0021003, OMIM 603596, HP:0010442.

Submission:

Laboratoire de Génétique Moléculaire, CHU Bordeaux
Classification: Pathogenic for Polydactyly; Phocomelia; Bilateral cleft palate; Abnormal heart morphology. Last evaluated: 2018-07-18. Review status: no assertion criteria provided. Collection method: clinical testing. Allele origin: de novo. Inheritance: Sporadic. Affected: yes. Observed: 1 variant allele, 1 heterozygote.